The following is an entry in ClinVar:

NM_001384900.1(SEMA3D):c.1653del (p.Cys552fs)

Gene: SEMA3D (semaphorin 3D; minus strand). Cytogenetic location: 7q21.11.
Variant type: Deletion.
Coding change: c.1653del on transcript NM_001384900.1 (MANE Select); coding-DNA position 1653, one base deleted (C; older notation c.1653delC).
Protein change: p.Cys552fs; shifts the reading frame from cysteine 552.
Molecular consequence: frameshift variant.
Genome position (GRCh38, 1-based): chr7:85,015,109, G deleted on the plus strand (C on the coding strand, the reverse complement: SEMA3D is on the minus strand). VCF-style (leftmost placement, unchanged base first): chr7-85015108-AG-A. GRCh37 (hg19) VCF-style: chr7-84644424-AG-A.
Other names: c.1653del, p.Cys552fs (NM_001384901.1, NM_001384902.1, NM_001384903.1 and 1 more transcripts); short protein forms C552fs.
Identifiers: ClinVar variation 3357844 (VCV003357844.1).
Genomic context (GRCh38, chr7:85,015,108, plus strand): 5'-GTGCCTCTTACCTTTTAGAAGTAGGAGCATATCGAGAGCATGCATTTCCATCCCAGGCAC[AG>A]TAGGGGTCTCTGGCAAGACAACAGTCTGCGCAAGCTTTCCCATAAGTGTCGCATCTGTGC-3'

ClinVar aggregate classification (germline): Uncertain significance (0 of 4 stars; one submission).

Conditions:
SEMA3D-related disorder. Also called: SEMA3D-related condition.

Submission:

PreventionGenetics, part of Exact Sciences
Classification: Uncertain significance for SEMA3D-related condition. Last evaluated: 2024-07-26. Review status: no assertion criteria provided. Collection method: clinical testing. Allele origin: germline.
Comment: The SEMA3D c.1653delC variant is predicted to result in a frameshift and premature protein termination (p.Cys552Valfs*24). To our knowledge, this variant has not been reported in the literature. This variant is reported in 0.0062% of alleles in individuals of African descent in gnomAD. SEMA3D premature termination variants are relatively common in the gnomAD general population database, and variants of this type are not an established mechanism of disease. At this time, the clinical significance of this variant is uncertain due to the absence of conclusive functional and genetic evidence.